The following is an entry in ClinVar:

NM_058246.4(DNAJB6):c.66-3A>C

Gene: DNAJB6 (DnaJ heat shock protein family (Hsp40) member B6; plus strand). Cytogenetic location: 7q36.3.
Variant type: single nucleotide variant.
Coding change: c.66-3A>C on transcript NM_058246.4 (MANE Select); 3 bases into the intron before coding-DNA position 66, A replaced by C.
Molecular consequence: intron variant.
Genome position (GRCh38, 1-based): chr7:157,363,158, A>C. VCF-style: chr7-157363158-A-C. GRCh37 (hg19) VCF-style: chr7-157155852-A-C.
Other names: c.66-3A>C (NM_001363676.1, NM_005494.3).
Identifiers: ClinVar variation 961702 (VCV000961702.10), dbSNP rs1799687900, ClinGen allele CA1139660361.

ClinVar aggregate classification (germline): Uncertain significance (1 of 4 stars; one submission).

Conditions:
Autosomal dominant limb-girdle muscular dystrophy type 1D (DNAJB6) (LGMDD1). Also called: Autosomal dominant limb-girdle muscular dystrophy type 1D; Muscular dystrophy, limb-girdle, autosomal dominant 1; MUSCULAR DYSTROPHY, AUTOSOMAL DOMINANT, WITH RIMMED VACUOLES; MUSCULAR DYSTROPHY, LIMB-GIRDLE, TYPE 1D. Identifiers: Orphanet 34516, MedGen C4721885, MONDO:0021018, OMIM 603511.

Submission:

Labcorp Genetics (formerly Invitae), Labcorp
Classification: Uncertain significance for Autosomal dominant limb-girdle muscular dystrophy type 1D (DNAJB6). Last evaluated: 2022-02-03. Review status: criteria provided, single submitter. Criteria: Invitae Variant Classification Sherloc (09022015). Collection method: clinical testing. Allele origin: germline.
Comment: This sequence change falls in intron 2 of the DNAJB6 gene. It does not directly change the encoded amino acid sequence of the DNAJB6 protein. It affects a nucleotide within the consensus splice site. This variant is not present in population databases (gnomAD no frequency). This variant has not been reported in the literature in individuals affected with DNAJB6-related conditions. ClinVar contains an entry for this variant (Variation ID: 961702). Variants that disrupt the consensus splice site are a relatively common cause of aberrant splicing (PMID: 17576681, 9536098). Algorithms developed to predict the effect of sequence changes on RNA splicing suggest that this variant may create or strengthen a splice site. In summary, the available evidence is currently insufficient to determine the role of this variant in disease. Therefore, it has been classified as a Variant of Uncertain Significance.

Literature cited by the submitters: PubMed 17576681; PubMed 9536098.